The following is an entry in ClinVar:

NM_001099857.5(IKBKG):c.519-8_519-7insCGGGCCCTG

Gene: IKBKG (inhibitor of nuclear factor kappa B kinase regulatory subunit gamma; plus strand). Cytogenetic location: Xq28.
Variant type: Insertion.
Coding change: c.519-8_519-7insCGGGCCCTG on transcript NM_001099857.5 (MANE Select); 8 bases into the intron before coding-DNA position 519 through 7 bases into the intron before coding-DNA position 519, CGGGCCCTG inserted.
Molecular consequence: intron variant.
Genome position: GRCh38 VCF-style: chrX-154560399-C-CCGGGCCCTG. GRCh37 (hg19) VCF-style: chrX-153788614-C-CCGGGCCCTG.
Other names: c.519-8_519-7insCGGGCCCTG (NM_001377312.1, NM_001321396.3, NM_003639.4); c.516-8_516-7insCGGGCCCTG (NM_001377313.1, NM_001321397.3); c.723-8_723-7insCGGGCCCTG (NM_001099856.6); c.519-1289_519-1288insCGGGCCCTG (NM_001145255.4); c.516-1289_516-1288insCGGGCCCTG (NM_001377314.1); c.400-2411_400-2410insCGGGCCCTG (NM_001377315.1).
Identifiers: ClinVar variation 1313954 (VCV001313954.2), dbSNP rs2148382351, ClinGen allele CA2573055176.

ClinVar aggregate classification (germline): Uncertain significance (1 of 4 stars; one submission).

Submission:

GeneDx
Classification: Uncertain significance. Last evaluated: 2021-01-04. Review status: criteria provided, single submitter. Criteria: GeneDx Variant Classification Process June 2021. Collection method: clinical testing. Allele origin: germline. Affected: yes.
Comment: In silico analysis supports a deleterious effect on splicing; Has not been previously published as pathogenic or benign to our knowledge